The following is an entry in ClinVar:

ClinVar aggregate classification (germline): Likely benign (1 of 4 stars; one submission).

Conditions:
Ataxia-telangiectasia syndrome (AT). Also called: Ataxia telangiectasia (A-T); Cerebello-oculocutaneous telangiectasia; Immunodeficiency with ataxia telangiectasia; LOUIS-BAR SYNDROME; AT, COMPLEMENTATION GROUP C; ATAXIA-TELANGIECTASIA, FRESNO VARIANT. Identifiers: Orphanet 100, MedGen C0004135, MONDO:0008840, OMIM 208900.

Allele frequency attached by ClinVar (database versions not stated): gnomAD exomes 0.00244; 1000 Genomes Project 0.00379; gnomAD 0.00043 and 0.00065; 1000 Genomes Project 30x 0.00390; TOPMed 0.00063.
gnomAD v4.1: 250 of 217,154 alleles (0.12%); highest among the groups gnomAD compares: East Asian, 1.6%; 3 homozygotes.

Submission:

Illumina Laboratory Services, Illumina
Classification: Likely benign for Ataxia-telangiectasia syndrome. Last evaluated: 2018-01-12. Review status: criteria provided, single submitter. Criteria: ICSL Variant Classification Criteria 13 December 2019. Collection method: clinical testing. Allele origin: germline.
Comment: This variant was observed in the ICSL laboratory as part of a predisposition screen in an ostensibly healthy population. It had not been previously curated by ICSL or reported in the Human Gene Mutation Database (HGMD: prior to June 1st, 2018), and was therefore a candidate for classification through an automated scoring system. Utilizing variant allele frequency, disease prevalence and penetrance estimates, and inheritance mode, an automated score was calculated to assess if this variant is too frequent to cause the disease. Based on the score and internal cut-off values, a variant classified as likely benign is not then subjected to further curation. The score for this variant resulted in a classification of likely benign for this disease.

NM_000051.4(ATM):c.*2224C>T

Genes: ATM (ATM serine/threonine kinase; plus strand), C11orf65 (chromosome 11 open reading frame 65; minus strand). Cytogenetic location: 11q22.3.
Variant type: single nucleotide variant.
Coding change: c.*2224C>T on transcript NM_000051.4 (MANE Select); 2224 bases downstream of the stop codon, C replaced by T.
Molecular consequence: 3 prime UTR variant. On other transcripts: intron variant (2).
Genome position (GRCh38, 1-based): chr11:108,367,732, C>T. VCF-style: chr11-108367732-C-T. GRCh37 (hg19) VCF-style: chr11-108238459-C-T.
Other names: c.*2224C>T (NM_001351834.2); c.640+18188G>A (NM_001330368.2); c.694+18188G>A (NM_001351110.2).
Identifiers: ClinVar variation 302280 (VCV000302280.7), dbSNP rs139245552, ClinGen allele CA10637527.
Genomic context (GRCh38, chr11:108,367,732, plus strand): 5'-TTATTGCCAATGGCAGGCACTCATTCATATTTGATCTCCTCACCTTCCCCTCCCCTAAAA[C>T]CAATCTCCAGAACTTTTTGGACTATAAATTTCTTGGTTTGACTTCTGGAGAACTGTTCAG-3'